The following is an entry in ClinVar:

NM_001754.5(RUNX1):c.1274C>G (p.Pro425Arg)

Gene: RUNX1 (RUNX family transcription factor 1; minus strand). Cytogenetic location: 21q22.12.
Variant type: single nucleotide variant.
Coding change: c.1274C>G on transcript NM_001754.5 (MANE Select); coding-DNA position 1274, C replaced by G.
Protein change: p.Pro425Arg; replaces proline 425 with arginine.
Molecular consequence: missense variant.
Genome position (GRCh38, 1-based): chr21:34,792,304, G>C on the plus strand (C>G on the coding strand, the complement: RUNX1 is on the minus strand). VCF-style: chr21-34792304-G-C. GRCh37 (hg19) VCF-style: chr21-36164601-G-C.
Other names: NM_001754.5(RUNX1):c.1274C>G; p.Pro425Arg; c.1193C>G, p.Pro398Arg (NM_001001890.3); short protein forms P425R, P398R.
Identifiers: ClinVar variation 2397690 (VCV002397690.3), dbSNP rs2056451344, ClinGen allele CA410147539.

ClinVar aggregate classification (germline): Uncertain significance. Review status: reviewed by expert panel (3 of 4 stars). 2 submissions from 2 submitters: Uncertain significance (1). 1 of the submissions does not count toward it. Last evaluated 2025-01-15.

Conditions:
Hereditary thrombocytopenia and hematologic cancer predisposition syndrome. Identifiers: Orphanet 71290, MedGen CN281654, MONDO:0011071.
Inborn genetic diseases. Identifiers: MedGen C0950123, MeSH D030342.

Submissions (2):

ClinGen Myeloid Malignancy Variant Curation Expert Panel
Classification: Uncertain significance for Hereditary thrombocytopenia and hematologic cancer predisposition syndrome. Last evaluated: 2025-01-15. Review status: reviewed by expert panel. Criteria: ClinGen MyeloMalig ACMG Specifications v2. Collection method: curation. Allele origin: germline. Inheritance: Autosomal dominant inheritance.
Comment: NM_001754.5(RUNX1):c.1274C>G (p.Pro425Arg) is a missense variant which is completely absent from all population databases with at least 20x coverage for RUNX1 (PM2_Supporting). In summary, the clinical significance of this variant is uncertain. ACMG/AMP criteria applied, as specified by the Myeloid Malignancy Variant Curation Expert Panel for RUNX1: PM2_supporting.

Ambry Genetics
Classification: Uncertain significance for Inborn genetic diseases. Last evaluated: 2021-08-23. Review status: criteria provided, single submitter. Criteria: Ambry Variant Classification Scheme 2023. Collection method: clinical testing. Allele origin: germline. Not counted in ClinVar's aggregate classification.